The following is an entry in ClinVar:

ClinVar aggregate classification (germline): Uncertain significance. Review status: criteria provided, single submitter (1 of 4 stars). 2 submissions from 2 submitters: Uncertain significance (1). 1 of the submissions does not count toward it. Last evaluated 2024-09-23.

Conditions:
Usher syndrome type 1B (USH1B). Also called: Usher syndrome type IB. Identifiers: MedGen C1848638, MONDO:0700087.

Allele frequency attached by ClinVar (database versions not stated): TOPMed 0.00001.
gnomAD v4.1: 30 of 1,613,302 alleles (0.0019%); highest among the groups gnomAD compares: Admixed American, 0.0083%; 1 homozygote.

Submissions (2):

Labcorp Genetics (formerly Invitae), Labcorp
Classification: Uncertain significance. Last evaluated: 2024-09-23. Review status: criteria provided, single submitter. Criteria: Invitae Variant Classification Sherloc (09022015). Collection method: clinical testing. Allele origin: germline.
Comment: This sequence change replaces arginine, which is basic and polar, with cysteine, which is neutral and slightly polar, at codon 120 of the MYO7A protein (p.Arg120Cys). This variant is present in population databases (rs397516302, gnomAD 0.01%). This variant has not been reported in the literature in individuals affected with MYO7A-related conditions. ClinVar contains an entry for this variant (Variation ID: 1045681). Invitae Evidence Modeling of protein sequence and biophysical properties (such as structural, functional, and spatial information, amino acid conservation, physicochemical variation, residue mobility, and thermodynamic stability) has been performed for this missense variant. However, the output from this modeling did not meet the statistical confidence thresholds required to predict the impact of this variant on MYO7A protein function. In summary, the available evidence is currently insufficient to determine the role of this variant in disease. Therefore, it has been classified as a Variant of Uncertain Significance.

Natera, Inc.
Classification: Uncertain significance for Usher syndrome type 1B. Last evaluated: 2020-10-14. Review status: no assertion criteria provided. Collection method: clinical testing. Allele origin: germline. Not counted in ClinVar's aggregate classification.

NM_000260.4(MYO7A):c.358C>T (p.Arg120Cys)

Gene: MYO7A (myosin VIIA; plus strand). Cytogenetic location: 11q13.5.
Variant type: single nucleotide variant.
Coding change: c.358C>T on transcript NM_000260.4 (MANE Select); coding-DNA position 358, C replaced by T.
Protein change: p.Arg120Cys; replaces arginine 120 with cysteine.
Molecular consequence: missense variant.
Genome position (GRCh38, 1-based): chr11:77,155,979, C>T. VCF-style: chr11-77155979-C-T. GRCh37 (hg19) VCF-style: chr11-76867025-C-T.
Other names: c.358C>T, p.Arg120Cys (NM_001127180.2); c.325C>T, p.Arg109Cys (NM_001369365.1); short protein forms R120C, R109C.
Identifiers: ClinVar variation 1045681 (VCV001045681.5), dbSNP rs397516302, ClinGen allele CA6197111.